The following is an entry in ClinVar:

ClinVar aggregate classification (germline): Uncertain significance. Review status: criteria provided, single submitter (1 of 4 stars). 2 submissions from 2 submitters: Uncertain significance (1). 1 of the submissions does not count toward it. Last evaluated 2023-08-01.

Conditions:
Maple syrup urine disease type 1A (MSUD1A). Also called: MSUD type 1A. Identifiers: MedGen C1855369, MONDO:0023691, OMIM 248600.

Allele frequency attached by ClinVar (database versions not stated): TOPMed 0.00001.
gnomAD v4.1: 8 of 1,614,132 alleles (0.0005%); highest among the groups gnomAD compares: South Asian, 0.0011%; no homozygotes.

Submissions (2):

Women's Health and Genetics/Laboratory Corporation of America, LabCorp
Classification: Uncertain significance. Last evaluated: 2023-08-01. Review status: criteria provided, single submitter. Criteria: LabCorp Variant Classification Summary - May 2015. Collection method: clinical testing. Allele origin: germline.
Comment: Variant summary: BCKDHA c.892G>A (p.Val298Met) results in a conservative amino acid change located in the Dehydrogenase, E1 componen domain (IPR001017) of the encoded protein sequence. Four of five in-silico tools predict a damaging effect of the variant on protein function. The variant was absent in 251428 control chromosomes (gnomAD). c.892G>A has been reported in the literature in at least one individual affected with branched-chain organic acidurias (Stojiljkovic_2016). The report does not provide unequivocal conclusions about association of the variant with Maple Syrup Urine Disease. To our knowledge, no experimental evidence demonstrating an impact on protein function has been reported. The following publication have been ascertained in the context of this evaluation (PMID: 26830710). One submitter has cited clinical-significance assessments for this variant to ClinVar after 2014 and has classified the variant as uncertain significance. Based on the evidence outlined above, the variant was classified as uncertain significance.

Counsyl
Classification: Uncertain significance for Maple syrup urine disease type 1A. Last evaluated: 2017-10-10. Review status: no assertion criteria provided. Collection method: clinical testing. Allele origin: unknown. Not counted in ClinVar's aggregate classification.

Literature cited by the submitters: PubMed 26830710 (cited by Women's Health and Genetics/Laboratory Corporation of America, LabCorp and Counsyl).

NM_000709.4(BCKDHA):c.892G>A (p.Val298Met)

Gene: BCKDHA (branched chain keto acid dehydrogenase E1 subunit alpha; plus strand). Cytogenetic location: 19q13.2.
Variant type: single nucleotide variant.
Coding change: c.892G>A on transcript NM_000709.4 (MANE Select); coding-DNA position 892, G replaced by A.
Protein change: p.Val298Met; replaces valine 298 with methionine.
Molecular consequence: missense variant.
Genome position (GRCh38, 1-based): chr19:41,422,667, G>A. VCF-style: chr19-41422667-G-A. GRCh37 (hg19) VCF-style: chr19-41928572-G-A.
Other names: c.889G>A, p.Val297Met (NM_001164783.2); short protein forms V298M, V297M.
Identifiers: ClinVar variation 554265 (VCV000554265.3), dbSNP rs1253348004, ClinGen allele CA406013336.